The following is an entry in ClinVar:

ClinVar aggregate classification (germline): Likely benign (1 of 4 stars; one submission).

Conditions:
MELAS syndrome (MELAS). Also called: Juvenile myopathy, encephalopathy, lactic acidosis, stroke. Identifiers: Orphanet 550, MedGen C0162671, MONDO:0010789, OMIM 540000.

Submission:

Wong Mito Lab, Molecular and Human Genetics, Baylor College of Medicine
Classification: Likely benign for MELAS syndrome. Last evaluated: 2019-07-12. Review status: criteria provided, single submitter. Criteria: Modified ACMG Guidelines (Unpublished). Collection method: clinical testing. Allele origin: germline.
Comment: The NC_012920.1:m.8331A>G variant in MT-TK gene is interpreted to be a Likely Benign variant based on the modified ACMG guidelines (unpublished). This variant meets the following evidence codes reported in the guidelines: BP4, BP6

Literature cited by the submitters: PubMed 31965079.

NC_012920.1(MT-TK):m.8331A>G

Gene: MT-TK (mitochondrially encoded tRNA lysine; plus strand).
Variant type: single nucleotide variant.
Genome position: chrM-8331-A-G.
Identifiers: ClinVar variation 690071 (VCV000690071.1), dbSNP rs1603221403, ClinGen allele CA913178996.